The following is an entry in ClinVar:

NM_022455.5(NSD1):c.951G>A (p.Thr317=)

Gene: NSD1 (nuclear receptor binding SET domain protein 1; plus strand). Cytogenetic location: 5q35.3.
Variant type: single nucleotide variant.
Coding change: c.951G>A on transcript NM_022455.5 (MANE Select); coding-DNA position 951, G replaced by A.
Protein change: p.Thr317=; no amino-acid change (threonine 317 retained).
Molecular consequence: synonymous variant.
Genome position (GRCh38, 1-based): chr5:177,191,907, G>A. VCF-style: chr5-177191907-G-A. GRCh37 (hg19) VCF-style: chr5-176618908-G-A.
Other names: c.951G>A, p.Thr317= (NM_001409302.1, NM_001409303.1, NM_001409301.1); c.531G>A, p.Thr177= (NM_001409304.1); c.78G>A, p.Thr26= (NM_001409305.1, NM_001409306.1, NM_001409307.1 and 4 more transcripts).
Identifiers: ClinVar variation 2197629 (VCV002197629.9), dbSNP rs770607654, ClinGen allele CA3577013.

ClinVar aggregate classification (germline): Likely benign. Review status: criteria provided, multiple submitters, no conflicts (2 of 4 stars). 3 submissions from 3 submitters: Likely benign (3). Last evaluated 2026-02-01.

Conditions:
NSD1-related disorder. Also called: NSD1-related condition.

Allele frequency attached by ClinVar (database versions not stated): ExAC 0.00001; TOPMed 0.00003.
gnomAD v4.1: 6 of 1,614,016 alleles (0.00037%); highest among the groups gnomAD compares: Admixed American, 0.0067%; no homozygotes.

Submissions (3):

CeGaT Center for Human Genetics Tuebingen
Classification: Likely benign. Last evaluated: 2026-02-01. Review status: criteria provided, single submitter. Criteria: CeGaT Center For Human Genetics Tuebingen Variant Classification Criteria Version 2. Collection method: clinical testing. Allele origin: germline. Affected: yes. Observed: 1 variant allele.
Comment: NSD1: BP4, BP7

PreventionGenetics, part of Exact Sciences
Classification: Likely benign for NSD1-related condition. Last evaluated: 2025-08-12. Review status: criteria provided, single submitter. Criteria: ACMG Guidelines, 2015. Collection method: clinical testing. Allele origin: germline.
Comment: This variant is classified as likely benign based on ACMG/AMP sequence variant interpretation guidelines (Richards et al. 2015 PMID: 25741868, with internal and published modifications).

Labcorp Genetics (formerly Invitae), Labcorp
Classification: Likely benign. Last evaluated: 2024-05-27. Review status: criteria provided, single submitter. Criteria: Invitae Variant Classification Sherloc (09022015). Collection method: clinical testing. Allele origin: germline.